The following is an entry in ClinVar:

ClinVar aggregate classification (germline): Likely benign. Review status: criteria provided, multiple submitters, no conflicts (2 of 4 stars). 3 submissions from 3 submitters: Likely benign (3). Last evaluated 2026-08-01.

Conditions:
Inborn genetic diseases. Identifiers: MedGen C0950123, MeSH D030342.

Submissions (3):

CeGaT Center for Human Genetics Tuebingen
Classification: Likely benign. Last evaluated: 2026-08-01. Review status: criteria provided, single submitter. Criteria: CeGaT Center For Human Genetics Tuebingen Variant Classification Criteria Version 2. Collection method: clinical testing. Allele origin: germline. Affected: yes. Observed: 2 variant alleles.
Comment: HCN2: BS1

Laboratory of Genetics, Children's Clinical University Hospital Latvia
Classification: Likely benign. Last evaluated: 2025-02-16. Review status: criteria provided, single submitter. Criteria: ACMG Guidelines, 2015. Collection method: clinical testing. Allele origin: germline. Affected: yes.

Ambry Genetics
Classification: Likely benign for Inborn genetic diseases. Last evaluated: 2022-03-16. Review status: criteria provided, single submitter. Criteria: Ambry Variant Classification Scheme 2023. Collection method: clinical testing. Allele origin: germline.

NM_001194.4(HCN2):c.2363G>C (p.Arg788Pro)

Gene: HCN2 (hyperpolarization activated cyclic nucleotide gated potassium and sodium channel 2; plus strand). Cytogenetic location: 19p13.3.
Variant type: single nucleotide variant.
Coding change: c.2363G>C on transcript NM_001194.4 (MANE Select); coding-DNA position 2363, G replaced by C.
Protein change: p.Arg788Pro; replaces arginine 788 with proline.
Molecular consequence: missense variant.
Genome position (GRCh38, 1-based): chr19:616,167, G>C. VCF-style: chr19-616167-G-C. GRCh37 (hg19) VCF-style: chr19-616167-G-C.
Other names: short protein forms R788P.
Identifiers: ClinVar variation 2356919 (VCV002356919.4), dbSNP rs1300071160, ClinGen allele CA402887786.